The following is an entry in ClinVar:

NM_018136.5(ASPM):c.10034T>C (p.Ile3345Thr)

Gene: ASPM (assembly factor for spindle microtubules; minus strand). Cytogenetic location: 1q31.3.
Variant type: single nucleotide variant.
Coding change: c.10034T>C on transcript NM_018136.5 (MANE Select); coding-DNA position 10034, T replaced by C.
Protein change: p.Ile3345Thr; replaces isoleucine 3345 with threonine.
Molecular consequence: missense variant.
Genome position (GRCh38, 1-based): chr1:197,088,383, A>G on the plus strand (T>C on the coding strand, the complement: ASPM is on the minus strand). VCF-style: chr1-197088383-A-G. GRCh37 (hg19) VCF-style: chr1-197057513-A-G.
Other names: c.5279T>C, p.Ile1760Thr (NM_001206846.2); short protein forms I1760T, I3345T.
Identifiers: ClinVar variation 3651146 (VCV003651146.2).

ClinVar aggregate classification (germline): Uncertain significance (1 of 4 stars; one submission).

gnomAD v4.1: 2 of 1,610,632 alleles (0.00012%); highest among the groups gnomAD compares: East Asian, 0.0022%; no homozygotes.

Submission:

Labcorp Genetics (formerly Invitae), Labcorp
Classification: Uncertain significance. Last evaluated: 2024-04-25. Review status: criteria provided, single submitter. Criteria: Invitae Variant Classification Sherloc (09022015). Collection method: clinical testing. Allele origin: germline.
Comment: This sequence change replaces isoleucine, which is neutral and non-polar, with threonine, which is neutral and polar, at codon 3345 of the ASPM protein (p.Ile3345Thr). This variant is present in population databases (no rsID available, gnomAD 0.03%). This variant has not been reported in the literature in individuals affected with ASPM-related conditions. Algorithms developed to predict the effect of missense changes on protein structure and function output the following: SIFT: "Not Available"; PolyPhen-2: "Benign"; Align-GVGD: "Not Available". The threonine amino acid residue is found in multiple mammalian species, which suggests that this missense change does not adversely affect protein function. In summary, the available evidence is currently insufficient to determine the role of this variant in disease. Therefore, it has been classified as a Variant of Uncertain Significance.